The following is an entry in ClinVar:

ClinVar aggregate classification (germline): Uncertain significance. Review status: criteria provided, multiple submitters, no conflicts (2 of 4 stars). 2 submissions from 2 submitters: Uncertain significance (2). Last evaluated 2025-05-15.

Conditions:
Hereditary cancer-predisposing syndrome. Also called: Neoplastic Syndromes, Hereditary; Tumor predisposition; Hereditary neoplastic syndrome; Hereditary Cancer Syndrome. Identifiers: Orphanet 140162, MedGen C0027672, MeSH D009386, MONDO:0015356.
Parathyroid carcinoma (PRTC). Also called: CDC73-Related Parathyroid Carcinoma; Parathyroid gland carcinoma. Identifiers: Orphanet 143, MedGen C0687150, MONDO:0012004, OMIM 608266, HP:0006780.

gnomAD v4.1: 2 of 1,610,296 alleles (0.00012%); highest among the groups gnomAD compares: Non-Finnish European, 0.000085%; no homozygotes.

Submissions (2):

Ambry Genetics
Classification: Uncertain significance for Hereditary cancer-predisposing syndrome. Last evaluated: 2025-05-15. Review status: criteria provided, single submitter. Criteria: Ambry Variant Classification Scheme 2023. Collection method: clinical testing. Allele origin: germline.
Comment: The p.V489L variant (also known as c.1465G>C), located in coding exon 16 of the CDC73 gene, results from a G to C substitution at nucleotide position 1465. The valine at codon 489 is replaced by leucine, an amino acid with highly similar properties. This amino acid position is conserved. In addition, this alteration is predicted to be deleterious by in silico analysis. Based on the available evidence, the clinical significance of this variant remains unclear.

Labcorp Genetics (formerly Invitae), Labcorp
Classification: Uncertain significance for Parathyroid carcinoma. Last evaluated: 2022-11-15. Review status: criteria provided, single submitter. Criteria: Invitae Variant Classification Sherloc (09022015). Collection method: clinical testing. Allele origin: germline.
Comment: In summary, the available evidence is currently insufficient to determine the role of this variant in disease. Therefore, it has been classified as a Variant of Uncertain Significance. Advanced modeling of protein sequence and biophysical properties (such as structural, functional, and spatial information, amino acid conservation, physicochemical variation, residue mobility, and thermodynamic stability) performed at Invitae indicates that this missense variant is not expected to disrupt CDC73 protein function. ClinVar contains an entry for this variant (Variation ID: 1362883). This variant has not been reported in the literature in individuals affected with CDC73-related conditions. This variant is not present in population databases (gnomAD no frequency). This sequence change replaces valine, which is neutral and non-polar, with leucine, which is neutral and non-polar, at codon 489 of the CDC73 protein (p.Val489Leu).

NM_024529.5(CDC73):c.1465G>C (p.Val489Leu)

Gene: CDC73 (cell division cycle 73; plus strand). Cytogenetic location: 1q31.2.
Variant type: single nucleotide variant.
Coding change: c.1465G>C on transcript NM_024529.5 (MANE Select); coding-DNA position 1465, G replaced by C.
Protein change: p.Val489Leu; replaces valine 489 with leucine.
Molecular consequence: missense variant.
Genome position (GRCh38, 1-based): chr1:193,249,777, G>C. VCF-style: chr1-193249777-G-C. GRCh37 (hg19) VCF-style: chr1-193218907-G-C.
Other names: c.1465G>C (NM_024529.4); short protein forms V489L.
Identifiers: ClinVar variation 1362883 (VCV001362883.9), dbSNP rs2102073378, ClinGen allele CA344078438.
Genomic context (GRCh38, chr1:193,249,777, plus strand): 5'-ACCCTCTCTATAGTTAAAGCCTTCCATCTGAAGTATGATGAAGTTCGTCTGGATCCAAAT[G>C]TTCAGAAATGGGATGTAACAGTATTAGAACTCAGCTATCACAAACGTCATTTGGATAGAC-3'
Protein context (NP_078805.3, residues 479-499): KYDEVRLDPN[Val489Leu]QKWDVTVLEL